The following is an entry in ClinVar:

Conditions:
Long QT syndrome 5 (LQT5). Identifiers: Orphanet 101016, Orphanet 768, MedGen C1867904, MONDO:0013372, OMIM 613695.

Submission:

Roden Lab, Vanderbilt University Medical Center
No classification provided (evidence only). Condition: Long QT syndrome 5. Review status: no classification provided. Collection method: in vitro. Allele origin: not applicable. Functional consequence: Effect on ion channel function.
ClinVar note: "not provided" was previously submitted as the classification for the variant. However, the classification appeared to be based only on an observation of functional data so it was converted to no classification on 2025-07-30.

NM_000219.6(KCNE1):c.295G>T (p.Val99Phe)

Gene: KCNE1 (potassium voltage-gated channel subfamily E regulatory subunit 1; minus strand). Cytogenetic location: 21q22.12.
Variant type: single nucleotide variant.
Coding change: c.295G>T on transcript NM_000219.6 (MANE Select); coding-DNA position 295, G replaced by T.
Protein change: p.Val99Phe; replaces valine 99 with phenylalanine.
Molecular consequence: missense variant.
Genome position (GRCh38, 1-based): chr21:34,449,340, C>A on the plus strand (G>T on the coding strand, the complement: KCNE1 is on the minus strand). VCF-style: chr21-34449340-C-A. GRCh37 (hg19) VCF-style: chr21-35821638-C-A.
Other names: c.295G>T, p.Val99Phe (NM_001127668.4, NM_001127669.4, NM_001127670.4 and 4 more transcripts); short protein forms V99F.
Identifiers: ClinVar variation 3374560 (VCV003374560.2).
Genomic context (GRCh38, chr21:34,449,340, plus strand): 5'-TGGGTTGTTCTATGGCCAGATGGTTTTCAACGACATAGCACGACCTGTAGCTCTCCAGGA[C>A]CCGGGCCTGGACATAGGCCTTGTCCTTCTCTTGCCAGGCATCGGACTCGATGTAGACGTT-3'
Protein context (NP_000210.2, residues 89-109): EKDKAYVQAR[Val99Phe]LESYRSCYVV